The following is an entry in ClinVar:

NM_004663.5(RAB11A):c.10C>T (p.Arg4Cys)

Gene: RAB11A (RAB11A, member RAS oncogene family; plus strand). Cytogenetic location: 15q22.31.
Variant type: single nucleotide variant.
Coding change: c.10C>T on transcript NM_004663.5 (MANE Select); coding-DNA position 10, C replaced by T.
Protein change: p.Arg4Cys; replaces arginine 4 with cysteine.
Molecular consequence: missense variant.
Genome position (GRCh38, 1-based): chr15:65,869,595, C>T. VCF-style: chr15-65869595-C-T. GRCh37 (hg19) VCF-style: chr15-66161933-C-T.
Other names: c.10C>T, p.Arg4Cys (NM_001206836.2); short protein forms R4C.
Identifiers: ClinVar variation 1702676 (VCV001702676.2), dbSNP rs2141097983, ClinGen allele CA392918940.

ClinVar aggregate classification (germline): Uncertain significance (1 of 4 stars; one submission).

Allele frequency attached by ClinVar (database versions not stated): gnomAD exomes below 0.00001.
gnomAD v4.1: 1 of 1,611,476 alleles (0.000062%); highest among the groups gnomAD compares: Non-Finnish European, 0.000085%; no homozygotes.

Submission:

GeneDx
Classification: Uncertain significance. Last evaluated: 2022-02-18. Review status: criteria provided, single submitter. Criteria: GeneDx Variant Classification Process June 2021. Collection method: clinical testing. Allele origin: germline. Affected: yes.
Comment: Not observed at significant frequency in large population cohorts (gnomAD); In silico analysis supports that this missense variant has a deleterious effect on protein structure/function; Has not been previously published as pathogenic or benign to our knowledge; Variants in candidate genes are classified as variants of uncertain significance in accordance with ACMG guidelines (Richards et al., 2015)